The following is an entry in ClinVar:

ClinVar aggregate classification (germline): Likely benign. Review status: criteria provided, multiple submitters, no conflicts (2 of 4 stars). 3 submissions from 3 submitters: Likely benign (3). Last evaluated 2026-01-26.

Allele frequency attached by ClinVar (database versions not stated): gnomAD 0.00003; TOPMed 0.00003.
gnomAD v4.1: 92 of 1,556,072 alleles (0.0059%); highest among the groups gnomAD compares: Admixed American, 0.0074%; no homozygotes.

Submissions (3):

Labcorp Genetics (formerly Invitae), Labcorp
Classification: Likely benign. Last evaluated: 2026-01-26. Review status: criteria provided, single submitter. Criteria: Invitae Variant Classification Sherloc (09022015). Collection method: clinical testing. Allele origin: germline.

CeGaT Center for Human Genetics Tuebingen
Classification: Likely benign. Last evaluated: 2025-09-01. Review status: criteria provided, single submitter. Criteria: CeGaT Center For Human Genetics Tuebingen Variant Classification Criteria Version 2. Collection method: clinical testing. Allele origin: germline. Affected: yes. Observed: 1 variant allele.
Comment: SPEG: BP4, BP7

Blueprint Genetics
Classification: Likely benign. Last evaluated: 2022-08-03. Review status: criteria provided, single submitter. Criteria: ACMG Guidelines, 2015. Collection method: clinical testing. Allele origin: germline.

NM_005876.5(SPEG):c.7149G>A (p.Glu2383=)

Genes: ASIC4-AS1 (ASIC4 antisense RNA 1; minus strand), SPEG (striated muscle enriched protein kinase; plus strand). Cytogenetic location: 2q35.
Variant type: single nucleotide variant.
Coding change: c.7149G>A on transcript NM_005876.5 (MANE Select); coding-DNA position 7149, G replaced by A.
Protein change: p.Glu2383=; no amino-acid change (glutamic acid 2383 retained).
Molecular consequence: synonymous variant.
Genome position (GRCh38, 1-based): chr2:219,484,612, G>A. VCF-style: chr2-219484612-G-A. GRCh37 (hg19) VCF-style: chr2-220349334-G-A.
Identifiers: ClinVar variation 2173787 (VCV002173787.12), dbSNP rs770358900, ClinGen allele CA65992279.